The following is an entry in ClinVar:

NM_024408.4(NOTCH2):c.3664T>A (p.Cys1222Ser)

Gene: NOTCH2 (notch receptor 2; minus strand). Cytogenetic location: 1p12.
Variant type: single nucleotide variant.
Coding change: c.3664T>A on transcript NM_024408.4 (MANE Select); coding-DNA position 3664, T replaced by A.
Protein change: p.Cys1222Ser; replaces cysteine 1222 with serine.
Molecular consequence: missense variant.
Genome position (GRCh38, 1-based): chr1:119,929,204, A>T on the plus strand (T>A on the coding strand, the complement: NOTCH2 is on the minus strand). VCF-style: chr1-119929204-A-T. GRCh37 (hg19) VCF-style: chr1-120471827-A-T.
Other names: short protein forms C1222S.
Identifiers: ClinVar variation 2812081 (VCV002812081.3), dbSNP rs2101169598, ClinGen allele CA341894828.

ClinVar aggregate classification (germline): Uncertain significance (1 of 4 stars; one submission).

Conditions:
Hajdu-Cheney syndrome (HJCYS). Also called: ACROOSTEOLYSIS WITH OSTEOPOROSIS AND CHANGES IN SKULL AND MANDIBLE; Acroosteolysis dominant type; SERPENTINE FIBULA-POLYCYSTIC KIDNEY SYNDROME. Identifiers: Orphanet 955, MedGen C0917715, MONDO:0007057, OMIM 102500.

Submission:

Labcorp Genetics (formerly Invitae), Labcorp
Classification: Uncertain significance for Hajdu-Cheney syndrome. Last evaluated: 2023-02-05. Review status: criteria provided, single submitter. Criteria: Invitae Variant Classification Sherloc (09022015). Collection method: clinical testing. Allele origin: germline.
Comment: In summary, the available evidence is currently insufficient to determine the role of this variant in disease. Therefore, it has been classified as a Variant of Uncertain Significance. Advanced modeling of protein sequence and biophysical properties (such as structural, functional, and spatial information, amino acid conservation, physicochemical variation, residue mobility, and thermodynamic stability) performed at Invitae indicates that this missense variant is expected to disrupt NOTCH2 protein function. This variant has not been reported in the literature in individuals affected with NOTCH2-related conditions. This variant is not present in population databases (gnomAD no frequency). This sequence change replaces cysteine, which is neutral and slightly polar, with serine, which is neutral and polar, at codon 1222 of the NOTCH2 protein (p.Cys1222Ser).